The following is an entry in ClinVar:

NM_000059.4(BRCA2):c.8713T>C (p.Tyr2905His)

Gene: BRCA2 (BRCA2 DNA repair associated; plus strand). Cytogenetic location: 13q13.1.
Variant type: single nucleotide variant.
Coding change: c.8713T>C on transcript NM_000059.4 (MANE Select); coding-DNA position 8713, T replaced by C.
Protein change: p.Tyr2905His; replaces tyrosine 2905 with histidine.
Molecular consequence: missense variant.
Genome position (GRCh38, 1-based): chr13:32,376,750, T>C. VCF-style: chr13-32376750-T-C. GRCh37 (hg19) VCF-style: chr13-32950887-T-C.
Other names: short protein forms Y2905H.
Identifiers: ClinVar variation 531413 (VCV000531413.14), dbSNP rs1555288170, ClinGen allele CA387754916.

ClinVar aggregate classification (germline): Conflicting classifications of pathogenicity. Review status: criteria provided, conflicting classifications (1 of 4 stars). 5 submissions from 5 submitters: Uncertain significance (4); Likely benign (1). Last evaluated 2025-09-15.

Conditions:
Hereditary breast ovarian cancer syndrome. Also called: Hereditary breast and ovarian cancer syndrome (HBOC); BRCA1- and BRCA2-Associated Hereditary Breast and Ovarian Cancer; Hereditary breast and ovarian cancer syndrome; Breast and ovarian cancer; Hereditary breast and ovarian cancer; Hereditary breast and/or ovarian cancer syndrome. Identifiers: Orphanet 145, MedGen C0677776, MeSH D061325, MONDO:0003582. Disease mechanism: loss of function.
BRCA2-related cancer predisposition. Identifiers: MedGen CN377758, MONDO:0700269.
Hereditary cancer-predisposing syndrome. Also called: Hereditary neoplastic syndrome; Neoplastic Syndromes, Hereditary; Tumor predisposition; Hereditary Cancer Syndrome. Identifiers: Orphanet 140162, MedGen C0027672, MeSH D009386, MONDO:0015356.

Submissions (5):

Labcorp Genetics (formerly Invitae), Labcorp
Classification: Uncertain significance for Hereditary breast ovarian cancer syndrome. Last evaluated: 2025-09-15. Review status: criteria provided, single submitter. Criteria: Invitae Variant Classification Sherloc (09022015). Collection method: clinical testing. Allele origin: germline.
Comment: This sequence change replaces tyrosine, which is neutral and polar, with histidine, which is basic and polar, at codon 2905 of the BRCA2 protein (p.Tyr2905His). This variant is not present in population databases (gnomAD no frequency). This variant has not been reported in the literature in individuals affected with BRCA2-related conditions. ClinVar contains an entry for this variant (Variation ID: 531413). Invitae Evidence Modeling of protein sequence and biophysical properties (such as structural, functional, and spatial information, amino acid conservation, physicochemical variation, residue mobility, and thermodynamic stability) indicates that this missense variant is not expected to disrupt BRCA2 protein function with a negative predictive value of 95%. Experimental studies are conflicting or provide insufficient evidence to determine the effect of this variant on BRCA2 function (PMID: 32444794). In summary, the available evidence is currently insufficient to determine the role of this variant in disease. Therefore, it has been classified as a Variant of Uncertain Significance.

Ambry Genetics
Classification: Likely benign for Hereditary cancer-predisposing syndrome. Last evaluated: 2025-05-15. Review status: criteria provided, single submitter. Criteria: Ambry Variant Classification Scheme 2023. Collection method: clinical testing. Allele origin: germline.

Quest Diagnostics Nichols Institute San Juan Capistrano
Classification: Uncertain significance. Last evaluated: 2025-02-07. Review status: criteria provided, single submitter. Criteria: Quest Diagnostics criteria. Collection method: clinical testing. Allele origin: unknown.
Comment: The BRCA2 c.8713T>C (p.Tyr2905His) variant has been reported in the published literature in a region of the BRCA2 gene that is tolerant to missense sequence changes (PMID: 31911673 (2020)). A functional assay using saturation genome editing, described the variant as a variant of uncertain significance (PMID: 39779848 (2025)). This variant has not been reported in large, multi-ethnic general populations (Genome Aggregation Database). Analysis of this variant using bioinformatics tools for the prediction of the effect of amino acid changes on protein structure and function yielded conflicting predictions that this variant is benign or damaging. Based on the available information, we are unable to determine the clinical significance of this variant.

Color Diagnostics, LLC DBA Color Health
Classification: Uncertain significance for Hereditary cancer-predisposing syndrome. Last evaluated: 2024-05-21. Review status: criteria provided, single submitter. Criteria: ACMG Guidelines, 2015. Collection method: clinical testing. Allele origin: germline.
Comment: This missense variant replaces tyrosine with histidine at codon 2905 of the BRCA2 protein. Computational prediction is inconclusive regarding the impact of this variant on protein structure and function. A functional study has shown that this variant does not impact sensitivity to PARP inhibitors (PMID: 32444794). This variant has not been reported in individuals affected with BRCA2-related disorders in the literature. This variant has not been identified in the general population by the Genome Aggregation Database (gnomAD). The available evidence is insufficient to determine the role of this variant in disease conclusively. Therefore, this variant is classified as a Variant of Uncertain Significance.

All of Us Research Program, National Institutes of Health
Classification: Uncertain significance for BRCA2-related cancer predisposition. Last evaluated: 2024-03-14. Review status: criteria provided, single submitter. Criteria: ACMG Guidelines, 2015. Collection method: clinical testing. Allele origin: germline. Inheritance: Autosomal dominant inheritance. Observed: 1 variant allele, 1 heterozygote.
Comment: This missense variant replaces tyrosine with histidine at codon 2905 of the BRCA2 protein. Computational prediction is inconclusive regarding the impact of this variant on protein structure and function (internally defined REVEL score threshold 0.5 < inconclusive < 0.7, PMID: 27666373). A functional study has shown that this variant does not impact sensitivity to PARP inhibitors (PMID: 32444794). This variant has not been reported in individuals affected with BRCA2-related disorders in the literature. This variant has not been identified in the general population by the Genome Aggregation Database (gnomAD). The available evidence is insufficient to determine the role of this variant in disease conclusively. Therefore, this variant is classified as a Variant of Uncertain Significance.

This study involves interpretation of variants in research participants for the purpose of population health screening. Participant phenotype was not available at the time of variant classification. Additional details can be found in publication PMID: 35346344, PMCID: PMC8962531

Literature cited by the submitters: PubMed 32444794 (cited by 4 submitters); PubMed 31911673 (cited by Quest Diagnostics Nichols Institute San Juan Capistrano).